The following is an entry in ClinVar:

NM_031907.3(USP26):c.1423C>T (p.His475Tyr)

Gene: USP26 (ubiquitin specific peptidase 26; minus strand). Cytogenetic location: Xq26.2.
Variant type: single nucleotide variant.
Coding change: c.1423C>T on transcript NM_031907.3 (MANE Select); coding-DNA position 1423, C replaced by T.
Protein change: p.His475Tyr; replaces histidine 475 with tyrosine.
Molecular consequence: missense variant.
Genome position (GRCh38, 1-based): chrX:133,026,798, G>A on the plus strand (C>T on the coding strand, the complement: USP26 is on the minus strand). VCF-style: chrX-133026798-G-A. GRCh37 (hg19) VCF-style: chrX-132160826-G-A.
Other names: short protein forms H475Y.
Identifiers: ClinVar variation 3055843 (VCV003055843.2), dbSNP rs41299088, ClinGen allele CA10519890.

ClinVar aggregate classification (germline): Benign (0 of 4 stars; one submission).

Conditions:
USP26-related disorder. Also called: USP26-related condition.

Allele frequency attached by ClinVar (database versions not stated): gnomAD exomes 0.01370; ExAC 0.02827; gnomAD 0.03421; ESP Exome Variant Server 0.03560; TOPMed 0.03727; 1000 Genomes Project 30x 0.06452; 1000 Genomes Project 0.06728.

Submission:

PreventionGenetics, part of Exact Sciences
Classification: Benign for USP26-related condition. Last evaluated: 2019-08-21. Review status: no assertion criteria provided. Collection method: clinical testing. Allele origin: germline.
Comment: This variant is classified as benign based on ACMG/AMP sequence variant interpretation guidelines (Richards et al. 2015 PMID: 25741868, with internal and published modifications).